The following is an entry in ClinVar:

ClinVar aggregate classification (germline): Uncertain significance (1 of 4 stars; one submission).

gnomAD v4.1: 114 of 1,614,064 alleles (0.0071%); highest among the groups gnomAD compares: East Asian, 0.06%; 1 homozygote.

Submission:

Labcorp Genetics (formerly Invitae), Labcorp
Classification: Uncertain significance. Last evaluated: 2025-06-09. Review status: criteria provided, single submitter. Criteria: Invitae Variant Classification Sherloc (09022015). Collection method: clinical testing. Allele origin: germline.
Comment: This sequence change replaces valine, which is neutral and non-polar, with methionine, which is neutral and non-polar, at codon 559 of the SH3PXD2B protein (p.Val559Met). This variant is present in population databases (rs775645752, gnomAD 0.03%). This variant has not been reported in the literature in individuals affected with SH3PXD2B-related conditions. An algorithm developed to predict the effect of missense changes on protein structure and function outputs the following: PolyPhen-2: "Benign". The methionine amino acid residue is found in multiple mammalian species, which suggests that this missense change does not adversely affect protein function. In summary, the available evidence is currently insufficient to determine the role of this variant in disease. Therefore, it has been classified as a Variant of Uncertain Significance.

NM_001017995.3(SH3PXD2B):c.1675G>A (p.Val559Met)

Gene: SH3PXD2B (SH3 and PX domains 2B; minus strand). Cytogenetic location: 5q35.1.
Variant type: single nucleotide variant.
Coding change: c.1675G>A on transcript NM_001017995.3 (MANE Select); coding-DNA position 1675, G replaced by A.
Protein change: p.Val559Met; replaces valine 559 with methionine.
Molecular consequence: missense variant. On other transcripts: intron variant (1).
Genome position (GRCh38, 1-based): chr5:172,339,430, C>T on the plus strand (G>A on the coding strand, the complement: SH3PXD2B is on the minus strand). VCF-style: chr5-172339430-C-T. GRCh37 (hg19) VCF-style: chr5-171766434-C-T.
Other names: c.1188+6706G>A (NM_001308175.2); short protein forms V559M.
Identifiers: ClinVar variation 4797402 (VCV004797402.1).